The following is an entry in ClinVar:

NM_001110354.2(ZP3):c.91G>A (p.Gly31Arg)

Gene: ZP3 (zona pellucida glycoprotein 3; plus strand). Cytogenetic location: 7q11.23.
Variant type: single nucleotide variant.
Coding change: c.91G>A on transcript NM_001110354.2 (MANE Select); coding-DNA position 91, G replaced by A.
Protein change: p.Gly31Arg; replaces glycine 31 with arginine.
Molecular consequence: missense variant. On other transcripts: 5 prime UTR variant (1).
Genome position (GRCh38, 1-based): chr7:76,425,055, G>A. VCF-style: chr7-76425055-G-A. GRCh37 (hg19) VCF-style: chr7-76054372-G-A.
Other names: c.-63G>A (NM_007155.6); short protein forms G31R.
Identifiers: ClinVar variation 3060473 (VCV003060473.2), dbSNP rs2286428, ClinGen allele CA4307212.

ClinVar aggregate classification (germline): Benign (0 of 4 stars; one submission).

Conditions:
ZP3-related disorder. Also called: ZP3-related condition.

Allele frequency attached by ClinVar (database versions not stated): 1000 Genomes Project 30x 0.12071; 1000 Genomes Project 0.12121; gnomAD 0.16907; TOPMed 0.16931; ESP Exome Variant Server 0.18383; gnomAD exomes 0.21708; ExAC 0.24645.
gnomAD v4.1: 341,526 of 1,609,726 alleles (21%); highest among the groups gnomAD compares: Middle Eastern, 29%; 38,784 homozygotes.

Submission:

PreventionGenetics, part of Exact Sciences
Classification: Benign for ZP3-related condition. Last evaluated: 2019-10-29. Review status: no assertion criteria provided. Collection method: clinical testing. Allele origin: germline.
Comment: This variant is classified as benign based on ACMG/AMP sequence variant interpretation guidelines (Richards et al. 2015 PMID: 25741868, with internal and published modifications).